The following is an entry in ClinVar:

NM_000416.3(IFNGR1):c.641_642delinsCC (p.Cys214Ser)

Gene: IFNGR1 (interferon gamma receptor 1; minus strand). Cytogenetic location: 6q23.3.
Variant type: Indel.
Coding change: c.641_642delinsCC on transcript NM_000416.3 (MANE Select); coding-DNA positions 641 to 642, GT replaced by CC.
Protein change: p.Cys214Ser; replaces cysteine 214 with serine.
Molecular consequence: missense variant.
Genome position (GRCh38, 1-based): chr6:137,203,590-137,203,591, AC replaced by GG on the plus strand (GT replaced by CC on the coding strand, the reverse complement: IFNGR1 is on the minus strand). VCF-style: chr6-137203590-AC-GG. GRCh37 (hg19) VCF-style: chr6-137524727-AC-GG.
Other names: c.611_612delinsCC, p.Cys204Ser (NM_001363526.1); c.518_519delinsCC, p.Cys173Ser (NM_001363527.1); short protein forms C173S, C204S, C214S.
Identifiers: ClinVar variation 2082584 (VCV002082584.4), dbSNP rs2548232792, ClinGen allele CA2580075118.

ClinVar aggregate classification (germline): Uncertain significance (1 of 4 stars; one submission).

Conditions:
Disseminated atypical mycobacterial infection. Identifiers: MedGen C0694566.

Submission:

Labcorp Genetics (formerly Invitae), Labcorp
Classification: Uncertain significance for Disseminated atypical mycobacterial infection. Last evaluated: 2022-01-14. Review status: criteria provided, single submitter. Criteria: Invitae Variant Classification Sherloc (09022015). Collection method: clinical testing. Allele origin: germline.
Comment: Information on the frequency of this variant in the gnomAD database is not available, as this variant may be reported differently in the database. In summary, the available evidence is currently insufficient to determine the role of this variant in disease. Therefore, it has been classified as a Variant of Uncertain Significance. Algorithms developed to predict the effect of missense changes on protein structure and function are either unavailable or do not agree on the potential impact of this missense change (SIFT: "Not Available"; PolyPhen-2: "Probably Damaging"; Align-GVGD: "Not Available"). This variant has not been reported in the literature in individuals affected with IFNGR1-related conditions. This sequence change replaces cysteine, which is neutral and slightly polar, with serine, which is neutral and polar, at codon 214 of the IFNGR1 protein (p.Cys214Ser).